The following is an entry in ClinVar:

ClinVar aggregate classification (germline): Benign/Likely benign. Review status: criteria provided, multiple submitters, no conflicts (2 of 4 stars). 6 submissions from 6 submitters: Benign (5); Likely benign (1). Last evaluated 2024-11-20.

Conditions:
Noonan syndrome and Noonan-related syndrome. Identifiers: Orphanet 98733, MedGen C5681679, MONDO:0020297.
Noonan syndrome-like disorder with loose anagen hair 1 (NSLH1). Also called: MAZZANTI SYNDROME; TOSTI SYNDROME. Identifiers: Orphanet 2701, MedGen C4478716, MONDO:0054637, OMIM 607721.

Allele frequency attached by ClinVar (database versions not stated): 1000 Genomes Project 0.00060; ExAC 0.00069; ESP Exome Variant Server 0.00069; gnomAD exomes 0.00072 and 0.00155; 1000 Genomes Project 30x 0.00078; TOPMed 0.00084; gnomAD 0.00094 and 0.00097.
gnomAD v4.1: 2,385 of 1,610,092 alleles (0.15%); highest among the groups gnomAD compares: Non-Finnish European, 0.19%; 3 homozygotes.

Submissions (6):

Blueprint Genetics
Classification: Likely benign. Last evaluated: 2024-11-20. Review status: criteria provided, single submitter. Criteria: ACMG Guidelines, 2015. Collection method: clinical testing. Allele origin: germline.

Women's Health and Genetics/Laboratory Corporation of America, LabCorp
Classification: Benign. Last evaluated: 2021-11-15. Review status: criteria provided, single submitter. Criteria: LabCorp Variant Classification Summary - May 2015. Collection method: clinical testing. Allele origin: germline.

Genome Diagnostics Laboratory, The Hospital for Sick Children
Classification: Benign for Noonan syndrome and Noonan-related syndrome. Last evaluated: 2020-02-01. Review status: criteria provided, single submitter. Criteria: ACMG Guidelines, 2015. Collection method: clinical testing. Allele origin: germline.

Illumina Laboratory Services, Illumina
Classification: Benign for Noonan syndrome-like disorder with loose anagen hair 1. Last evaluated: 2018-01-13. Review status: criteria provided, single submitter. Criteria: ICSL Variant Classification Criteria 13 December 2019. Collection method: clinical testing. Allele origin: germline.
Comment: This variant was observed in the ICSL laboratory as part of a predisposition screen in an ostensibly healthy population. It had not been previously curated by ICSL or reported in the Human Gene Mutation Database (HGMD: prior to June 1st, 2018), and was therefore a candidate for classification through an automated scoring system. Utilizing variant allele frequency, disease prevalence and penetrance estimates, and inheritance mode, an automated score was calculated to assess if this variant is too frequent to cause the disease. Based on the score and internal cut-off values, a variant classified as benign is not then subjected to further curation. The score for this variant resulted in a classification of benign for this disease.

GeneDx
Classification: Benign. Last evaluated: 2016-07-28. Review status: criteria provided, single submitter. Criteria: GeneDx Variant Classification (06012015). Collection method: clinical testing. Allele origin: germline. Affected: yes.
Comment: This variant is considered likely benign or benign based on one or more of the following criteria: it is a conservative change, it occurs at a poorly conserved position in the protein, it is predicted to be benign by multiple in silico algorithms, and/or has population frequency not consistent with disease.

PreventionGenetics, part of Exact Sciences
Classification: Benign. Review status: criteria provided, single submitter. Criteria: ACMG Guidelines, 2015. Collection method: clinical testing. Allele origin: germline.

NM_007373.4(SHOC2):c.*3T>C

Gene: SHOC2 (SHOC2 leucine rich repeat scaffold protein; plus strand). Cytogenetic location: 10q25.2.
Variant type: single nucleotide variant.
Coding change: c.*3T>C on transcript NM_007373.4 (MANE Select); 3 bases downstream of the stop codon, T replaced by C.
Molecular consequence: 3 prime UTR variant. On other transcripts: non-coding transcript variant (1).
Genome position (GRCh38, 1-based): chr10:111,011,821, T>C. VCF-style: chr10-111011821-T-C. GRCh37 (hg19) VCF-style: chr10-112771579-T-C.
Other names: c.*3T>C (NM_001269039.3, NM_001324336.2, NM_001324337.2).
Identifiers: ClinVar variation 181525 (VCV000181525.11), dbSNP rs143187497, ClinGen allele CA297168.